The following is an entry in ClinVar:

NM_016343.4(CENPF):c.5242G>A (p.Glu1748Lys)

Gene: CENPF (centromere protein F; plus strand). Cytogenetic location: 1q41.
Variant type: single nucleotide variant.
Coding change: c.5242G>A on transcript NM_016343.4 (MANE Select); coding-DNA position 5242, G replaced by A.
Protein change: p.Glu1748Lys; replaces glutamic acid 1748 with lysine.
Molecular consequence: missense variant.
Genome position (GRCh38, 1-based): chr1:214,644,812, G>A. VCF-style: chr1-214644812-G-A. GRCh37 (hg19) VCF-style: chr1-214818155-G-A.
Other names: short protein forms E1748K.
Identifiers: ClinVar variation 1708647 (VCV001708647.6), dbSNP rs146063444, ClinGen allele CA1390760.

ClinVar aggregate classification (germline): Uncertain significance. Review status: criteria provided, multiple submitters, no conflicts (2 of 4 stars). 2 submissions from 2 submitters: Uncertain significance (2). Last evaluated 2025-05-01.

Conditions:
Inborn genetic diseases. Identifiers: MedGen C0950123, MeSH D030342.

Allele frequency attached by ClinVar (database versions not stated): gnomAD exomes 0.00001; 1000 Genomes Project 0.00020; gnomAD 0.00011; ExAC 0.00002; ESP Exome Variant Server 0.00008; TOPMed 0.00012; 1000 Genomes Project 30x 0.00016.
gnomAD v4.1: 38 of 1,614,010 alleles (0.0024%); highest among the groups gnomAD compares: African/African-American, 0.036%; no homozygotes.

Submissions (2):

Ambry Genetics
Classification: Uncertain significance for Inborn genetic diseases. Last evaluated: 2025-05-01. Review status: criteria provided, single submitter. Criteria: Ambry Variant Classification Scheme 2023. Collection method: clinical testing. Allele origin: germline.

GeneDx
Classification: Uncertain significance. Last evaluated: 2022-04-05. Review status: criteria provided, single submitter. Criteria: GeneDx Variant Classification Process June 2021. Collection method: clinical testing. Allele origin: germline. Affected: yes.
Comment: In silico analysis supports that this missense variant does not alter protein structure/function; Has not been previously published as pathogenic or benign to our knowledge